The following is an entry in ClinVar:

ClinVar aggregate classification (germline): Likely benign (0 of 4 stars; one submission).

Conditions:
MYO1C-related disorder. Also called: MYO1C-related condition.

Allele frequency attached by ClinVar (database versions not stated): TOPMed 0.00106; ESP Exome Variant Server 0.00138; 1000 Genomes Project 30x 0.00172; 1000 Genomes Project 0.00180.
gnomAD v4.1: 256 of 1,613,368 alleles (0.016%); highest among the groups gnomAD compares: African/African-American, 0.29%; 1 homozygote.

Submission:

PreventionGenetics, part of Exact Sciences
Classification: Likely benign for MYO1C-related condition. Last evaluated: 2019-10-04. Review status: no assertion criteria provided. Collection method: clinical testing. Allele origin: germline.
Comment: This variant is classified as likely benign based on ACMG/AMP sequence variant interpretation guidelines (Richards et al. 2015 PMID: 25741868, with internal and published modifications).

NM_001080779.2(MYO1C):c.2994C>T (p.His998=)

Gene: MYO1C (myosin IC; minus strand). Cytogenetic location: 17p13.3.
Variant type: single nucleotide variant.
Coding change: c.2994C>T on transcript NM_001080779.2 (MANE Select); coding-DNA position 2994, C replaced by T.
Protein change: p.His998=; no amino-acid change (histidine 998 retained).
Molecular consequence: synonymous variant.
Genome position (GRCh38, 1-based): chr17:1,467,551, G>A on the plus strand (C>T on the coding strand, the complement: MYO1C is on the minus strand). VCF-style: chr17-1467551-G-A. GRCh37 (hg19) VCF-style: chr17-1370845-G-A.
Other names: c.2937C>T, p.His979= (NM_001080950.2); c.2922C>T, p.His974= (NM_001363855.1); c.2889C>T, p.His963= (NM_033375.5).
Identifiers: ClinVar variation 3045414 (VCV003045414.2), dbSNP rs114214340, ClinGen allele CA8266712.